The following is an entry in ClinVar:

NM_000044.6(AR):c.20_138dup (p.Ala47delinsTrpGluGlySerThrLeuGlyArgArgProArgProThrGluGluLeuSerArgIleCysSerArgAlaCysAlaLysTer)

Gene: AR (androgen receptor; plus strand). Cytogenetic location: Xq12.
Variant type: Duplication.
Coding change: c.20_138dup on transcript NM_000044.6 (MANE Select); coding-DNA positions 20 to 138, 119 bases duplicated.
Protein change: p.Ala47delinsTrpGluGlySerThrLeuGlyArgArgProArgProThrGluGluLeuSerArgIleCysSerArgAlaCysAlaLysTer.
Molecular consequence: nonsense. On other transcripts: 5 prime UTR variant (1).
Genome position (GRCh38, 1-based): chrX:67,545,166-67,545,284, 119 bases duplicated. GRCh37 (hg19): chrX:66,765,008-66,765,126.
Other names: c.-1764_-1646dup (NM_001011645.3); c.20_138dup, p.Ala47delinsTrpGluGlySerThrLeuGlyArgArgProArgProThrGluGluLeuSerArgIleCysSerArgAlaCysAlaLysTer (NM_001348061.1, NM_001348063.1, NM_001348064.1).
Identifiers: ClinVar variation 504141 (VCV000504141.1), dbSNP rs1555969382, ClinGen allele CA658799770.

ClinVar aggregate classification (germline): Pathogenic (1 of 4 stars; one submission).

Submission:

GeneDx
Classification: Pathogenic. Last evaluated: 2018-01-16. Review status: criteria provided, single submitter. Criteria: GeneDx Variant Classification (06012015). Collection method: clinical testing. Allele origin: germline. Affected: yes.
Comment: The c.20_138dup119 pathogenic variant in the AR gene causes a frameshift starting with codon Alanine 47, changes this amino acid to a Tryptophan residue and creates a premature Stop codon at position 27 of the new reading frame, denoted p.Ala47TrpfsX27. This pathogenic variant is predicted to cause loss of normal protein function either through protein truncation or nonsense-mediated mRNA decay. The variant is not observed in large population cohorts (Lek et al., 2016).